The following is an entry in ClinVar:

NM_004006.3(DMD):c.7326_7327insC (p.Thr2443fs)

Gene: DMD (dystrophin; minus strand). Cytogenetic location: Xp21.1.
Variant type: Insertion.
Coding change: c.7326_7327insC on transcript NM_004006.3 (MANE Select); coding-DNA positions 7326 to 7327, C inserted.
Protein change: p.Thr2443fs; shifts the reading frame from threonine 2443.
Molecular consequence: frameshift variant. On other transcripts: 5 prime UTR variant (5).
Genome position: GRCh38 VCF-style: chrX-31774175-T-TG. GRCh37 (hg19) VCF-style: chrX-31792292-T-TG.
Other names: c.7302_7303insC, p.Thr2435fs (NM_000109.4); c.7314_7315insC, p.Thr2439fs (NM_004009.3); c.6957_6958insC, p.Thr2320fs (NM_004010.3); c.3303_3304insC, p.Thr1102fs (NM_004011.4); c.3294_3295insC, p.Thr1099fs (NM_004012.4); c.-55_-54insC (NM_004013.3, NM_004020.4, NM_004021.3 and 2 more transcripts); short protein forms T1099fs, T1102fs, T2320fs, T2435fs, T2439fs, T2443fs.
Identifiers: ClinVar variation 4531204 (VCV004531204.1).

ClinVar aggregate classification (germline): Pathogenic (1 of 4 stars; one submission).

Conditions:
Dilated cardiomyopathy 3B (CMD3B). Also called: CMD3B: DMD-Related Dilated Cardiomyopathy; CARDIOMYOPATHY, DILATED, X-LINKED; DMD-Associated Dilated Cardiomyopathy. Identifiers: Orphanet 154, MedGen C3668940, MONDO:0010542, OMIM 302045.
Duchenne muscular dystrophy (DMD). Also called: MUSCULAR DYSTROPHY, PSEUDOHYPERTROPHIC PROGRESSIVE, DUCHENNE TYPE; Duchenne Muscular Dystrophy (DMD). Identifiers: Orphanet 98896, MedGen C0013264, MONDO:0010679, OMIM 310200.
Becker muscular dystrophy (BMD). Also called: MUSCULAR DYSTROPHY, PSEUDOHYPERTROPHIC PROGRESSIVE, BECKER TYPE; Becker Muscular Dystrophy (BMD). Identifiers: Orphanet 98895, MedGen C0917713, MONDO:0010311, OMIM 300376.

Submission:

Juno Genomics, Hangzhou Juno Genomics, Inc
Classification: Pathogenic for Becker muscular dystrophy; Dilated cardiomyopathy 3B; Duchenne muscular dystrophy. Review status: criteria provided, single submitter. Criteria: ACMG Guidelines, 2015. Collection method: clinical testing. Allele origin: germline. Affected: yes.
Comment: Absent from controls (or at extremely low frequency if recessive) in Genome Aggregation Database, Exome Sequencing Project, 1000 Genomes Project, or Exome Aggregation Consortium.;Null variant in a gene where loss of function (LOF) is a known mechanism of disease.;Patient's phenotype or family history is highly specific for a disease with a single genetic etiology.